The following is an entry in ClinVar:

ClinVar aggregate classification (germline): Uncertain significance (1 of 4 stars; one submission).

Submission:

Labcorp Genetics (formerly Invitae), Labcorp
Classification: Uncertain significance. Last evaluated: 2026-01-22. Review status: criteria provided, single submitter. Criteria: Invitae Variant Classification Sherloc (09022015). Collection method: clinical testing. Allele origin: germline.
Comment: This sequence change replaces glutamine, which is neutral and polar, with arginine, which is basic and polar, at codon 457 of the DDX58 protein (p.Gln457Arg). This variant is not present in population databases (gnomAD no frequency). This variant has not been reported in the literature in individuals affected with DDX58-related conditions. Invitae Evidence Modeling of protein sequence and biophysical properties (such as structural, functional, and spatial information, amino acid conservation, physicochemical variation, residue mobility, and thermodynamic stability) indicates that this missense variant is not expected to disrupt DDX58 protein function with a negative predictive value of 80%. In summary, the available evidence is currently insufficient to determine the role of this variant in disease. Therefore, it has been classified as a Variant of Uncertain Significance.

NM_014314.4(RIGI):c.1370A>G (p.Gln457Arg)

Gene: RIGI (RNA sensor RIG-I; minus strand). Cytogenetic location: 9p21.1.
Variant type: single nucleotide variant.
Coding change: c.1370A>G on transcript NM_014314.4 (MANE Select); coding-DNA position 1370, A replaced by G.
Protein change: p.Gln457Arg; replaces glutamine 457 with arginine.
Molecular consequence: missense variant.
Genome position (GRCh38, 1-based): chr9:32,487,476, T>C on the plus strand (A>G on the coding strand, the complement: RIGI is on the minus strand). VCF-style: chr9-32487476-T-C. GRCh37 (hg19) VCF-style: chr9-32487474-T-C.
Other names: c.1364A>G, p.Gln455Arg (NM_001385907.1); c.1370A>G, p.Gln457Arg (NM_001385909.1); c.929A>G, p.Gln310Arg (NM_001385910.1); c.761A>G, p.Gln254Arg (NM_001385912.1); c.1355A>G, p.Gln452Arg (NM_001385913.1); c.926A>G, p.Gln309Arg (NM_001385914.1); short protein forms Q452R, Q254R, Q455R, Q457R, Q310R, Q309R.
Identifiers: ClinVar variation 4746480 (VCV004746480.1).